The following is an entry in ClinVar:

NM_001276345.2(TNNT2):c.40G>T (p.Glu14Ter)

Gene: TNNT2 (troponin T2, cardiac type; minus strand). Cytogenetic location: 1q32.1.
Variant type: single nucleotide variant.
Coding change: c.40G>T on transcript NM_001276345.2 (MANE Select); coding-DNA position 40, G replaced by T.
Protein change: p.Glu14Ter; replaces glutamic acid 14 with a stop codon.
Molecular consequence: nonsense.
Genome position (GRCh38, 1-based): chr1:201,373,215, C>A on the plus strand (G>T on the coding strand, the complement: TNNT2 is on the minus strand). VCF-style: chr1-201373215-C-A. GRCh37 (hg19) VCF-style: chr1-201342343-C-A.
Other names: c.40G>T, p.Glu14Ter (NM_000364.4, NM_001001430.3, NM_001001431.3 and 9 more transcripts); short protein forms E14*.
Identifiers: ClinVar variation 1906192 (VCV001906192.5), dbSNP rs772890125, ClinGen allele CA344208869.
Genomic context (GRCh38, chr1:201,373,215, plus strand): 5'-AGGTGTCAGGGCAGCGGCGGGAGAGGACCCCACTCAGGCAAGATGCTCCAGATACTCACT[C>A]CTCCTCGTACTCTTCCACCACCTCTTCTATGTCAGACATGGTCTCTGCTCTCCCTCCAAA-3'

ClinVar aggregate classification (germline): Uncertain significance (1 of 4 stars; one submission).

Conditions:
Cardiomyopathy, familial restrictive, 3. Identifiers: Orphanet 75249, MedGen C2676271, MONDO:0012900, OMIM 612422.
Dilated cardiomyopathy 1D. Identifiers: Orphanet 154, Orphanet 54260, MedGen C1832243, MONDO:0011095, OMIM 601494.
Hypertrophic cardiomyopathy 2. Also called: TNNT2-Related Familial Hypertrophic Cardiomyopathy. Identifiers: MedGen C1861864, MONDO:0007266, OMIM 115195.

gnomAD v4.1: 2 of 1,614,150 alleles (0.00012%); highest among the groups gnomAD compares: Non-Finnish European, 0.00017%; no homozygotes.

Submission:

Labcorp Genetics (formerly Invitae), Labcorp
Classification: Uncertain significance for Cardiomyopathy, familial restrictive, 3; Hypertrophic cardiomyopathy 2; Dilated cardiomyopathy 1D. Last evaluated: 2022-08-21. Review status: criteria provided, single submitter. Criteria: Invitae Variant Classification Sherloc (09022015). Collection method: clinical testing. Allele origin: germline.
Comment: In summary, the available evidence is currently insufficient to determine the role of this variant in disease. Therefore, it has been classified as a Variant of Uncertain Significance. Algorithms developed to predict the effect of sequence changes on RNA splicing suggest that this variant may disrupt the consensus splice site. This premature translational stop signal has been observed in individual(s) with non-compaction cardiomyopathy (PMID: 30847666). This variant is present in population databases (no rsID available, gnomAD 0.0009%). This sequence change creates a premature translational stop signal (p.Glu14*) in the TNNT2 gene. It is expected to result in an absent or disrupted protein product. However, the current clinical and genetic evidence is not sufficient to establish whether loss-of-function variants in TNNT2 cause disease.

Literature cited by the submitters: PubMed 30847666.